The following is an entry in ClinVar:

ClinVar aggregate classification (germline): Uncertain significance. Review status: criteria provided, multiple submitters, no conflicts (2 of 4 stars). 4 submissions from 4 submitters: Uncertain significance (4). Last evaluated 2025-11-25.

Conditions:
Wolfram syndrome 1 (WFS1). Identifiers: Orphanet 3463, MedGen C4551693, MONDO:0009101, OMIM 222300.
Wolfram-like syndrome. Also called: HEARING LOSS, PROGRESSIVE, WITH OPTIC ATROPHY AND/OR IMPAIRED GLUCOSE REGULATION. Identifiers: Orphanet 411590, MedGen C3280358, MONDO:0013673, OMIM 614296.
Cataract 41 (CTRCT41). Also called: CATARACT 41, CONGENITAL NUCLEAR TYPE. Identifiers: Orphanet 91492, Orphanet 98991, Orphanet 98992, Orphanet 98995, MedGen C3805412, MONDO:0007287, OMIM 116400.
Autosomal dominant nonsyndromic hearing loss 6 (LFSNHL). Also called: DEAFNESS, AUTOSOMAL DOMINANT 6; Autosomal dominant nonsyndromic deafness 6; DEAFNESS, AUTOSOMAL DOMINANT 14; DEAFNESS, AUTOSOMAL DOMINANT 38. Identifiers: Orphanet 90635, MedGen C1833021, MONDO:0010963, OMIM 600965.
Type 2 diabetes mellitus. Also called: Type II diabetes mellitus. Identifiers: MedGen C0011860, MeSH D003924, MONDO:0005148, OMIM 125853, HP:0005978.

Allele frequency attached by ClinVar (database versions not stated): gnomAD 0.00003 and 0.00002; 1000 Genomes Project 0.00020; 1000 Genomes Project 30x 0.00016.
gnomAD v4.1: 35 of 1,612,016 alleles (0.0022%); highest among the groups gnomAD compares: Middle Eastern, 0.016%; no homozygotes.

Submissions (4):

Labcorp Genetics (formerly Invitae), Labcorp
Classification: Uncertain significance. Last evaluated: 2025-11-25. Review status: criteria provided, single submitter. Criteria: Invitae Variant Classification Sherloc (09022015). Collection method: clinical testing. Allele origin: germline.
Comment: This sequence change replaces arginine, which is basic and polar, with histidine, which is basic and polar, at codon 517 of the WFS1 protein (p.Arg517His). This variant is present in population databases (rs150394063, gnomAD 0.006%). This variant has not been reported in the literature in individuals affected with WFS1-related conditions. ClinVar contains an entry for this variant (Variation ID: 1403563). Invitae Evidence Modeling of protein sequence and biophysical properties (such as structural, functional, and spatial information, amino acid conservation, physicochemical variation, residue mobility, and thermodynamic stability) indicates that this missense variant is not expected to disrupt WFS1 protein function with a negative predictive value of 95%. In summary, the available evidence is currently insufficient to determine the role of this variant in disease. Therefore, it has been classified as a Variant of Uncertain Significance.

Fulgent Genetics
Classification: Uncertain significance for Cataract 41; Type 2 diabetes mellitus; Wolfram syndrome 1; Autosomal dominant nonsyndromic hearing loss 6; Wolfram-like syndrome. Last evaluated: 2024-03-20. Review status: criteria provided, single submitter. Criteria: ACMG Guidelines, 2015. Collection method: clinical testing. Allele origin: germline.

GeneDx
Classification: Uncertain significance. Last evaluated: 2024-03-18. Review status: criteria provided, single submitter. Criteria: GeneDx Variant Classification Process June 2021. Collection method: clinical testing. Allele origin: germline. Affected: yes.
Comment: In silico analysis supports that this missense variant does not alter protein structure/function; Has not been previously published as pathogenic or benign to our knowledge

Blueprint Genetics
Classification: Uncertain significance. Last evaluated: 2019-11-14. Review status: criteria provided, single submitter. Criteria: ACMG Guidelines, 2015. Collection method: clinical testing. Allele origin: germline.

NM_006005.3(WFS1):c.1550G>A (p.Arg517His)

Gene: WFS1 (wolframin ER transmembrane glycoprotein; plus strand). Cytogenetic location: 4p16.1.
Variant type: single nucleotide variant.
Coding change: c.1550G>A on transcript NM_006005.3 (MANE Select); coding-DNA position 1550, G replaced by A.
Protein change: p.Arg517His; replaces arginine 517 with histidine.
Molecular consequence: missense variant.
Genome position (GRCh38, 1-based): chr4:6,301,345, G>A. VCF-style: chr4-6301345-G-A. GRCh37 (hg19) VCF-style: chr4-6303072-G-A.
Other names: c.1550G>A, p.Arg517His (NM_001145853.1); short protein forms R517H.
Identifiers: ClinVar variation 1403563 (VCV001403563.10), dbSNP rs150394063, ClinGen allele CA2839399.